The following is an entry in ClinVar:

ClinVar aggregate classification (germline): Uncertain significance. Review status: criteria provided, multiple submitters, no conflicts (2 of 4 stars). 5 submissions from 5 submitters: Uncertain significance (5). Last evaluated 2026-04-14.

Conditions:
Inborn genetic diseases. Identifiers: MedGen C0950123, MeSH D030342.
Nephronophthisis. Also called: Juvenile Nephronophthisis. Identifiers: Orphanet 655, MedGen C0687120, MONDO:0019005, HP:0000090.
Jeune thoracic dystrophy. Also called: Infantile thoracic dystrophy; Thoracic pelvic phalangeal dystrophy; Jeune's syndrome; Chondroectodermal dysplasia-like syndrome; Jeune syndrome; Short-rib thoracic dysplasia. Identifiers: Orphanet 474, MedGen C0265275, MONDO:0018770.
Nephronophthisis 12 (NPHP12). Identifiers: Orphanet 655, MedGen C3151186, MONDO:0013442, OMIM 613820.
Asphyxiating thoracic dystrophy 4 (SRTD4). Also called: SHORT-RIB THORACIC DYSPLASIA 4; SHORT-RIB THORACIC DYSPLASIA 4 WITH OR WITHOUT POLYDACTYLY. Identifiers: Orphanet 474, MedGen C3151185, MONDO:0013441, OMIM 613819.
TTC21B-related disorder. Also called: TTC21B-related condition; TTC21B-related disorders.

Allele frequency attached by ClinVar (database versions not stated): gnomAD 0.00001; TOPMed 0.00001; gnomAD exomes 0.00004; ExAC 0.00005.
gnomAD v4.1: 60 of 1,608,900 alleles (0.0037%); highest among the groups gnomAD compares: South Asian, 0.019%; 1 homozygote.

Submissions (5):

PreventionGenetics, part of Exact Sciences
Classification: Uncertain significance for TTC21B-related condition. Last evaluated: 2026-04-14. Review status: criteria provided, single submitter. Criteria: ACMG Guidelines, 2015. Collection method: clinical testing. Allele origin: germline.
Comment: The TTC21B c.2941C>T variant is predicted to result in the amino acid substitution p.Arg981Cys. To our knowledge, this variant has not been reported in the literature. This variant is reported in 0.013% of alleles in individuals of South Asian descent in gnomAD. At this time, the clinical significance of this variant is uncertain due to the absence of conclusive functional and genetic evidence.

Ambry Genetics
Classification: Uncertain significance for Inborn genetic diseases. Last evaluated: 2025-01-29. Review status: criteria provided, single submitter. Criteria: Ambry Variant Classification Scheme 2023. Collection method: clinical testing. Allele origin: germline.

Fulgent Genetics
Classification: Uncertain significance for Asphyxiating thoracic dystrophy 4; Nephronophthisis 12. Last evaluated: 2023-12-28. Review status: criteria provided, single submitter. Criteria: ACMG Guidelines, 2015. Collection method: clinical testing. Allele origin: germline.

Labcorp Genetics (formerly Invitae), Labcorp
Classification: Uncertain significance for Jeune thoracic dystrophy; Nephronophthisis. Last evaluated: 2022-07-19. Review status: criteria provided, single submitter. Criteria: Invitae Variant Classification Sherloc (09022015). Collection method: clinical testing. Allele origin: germline.
Comment: This sequence change replaces arginine, which is basic and polar, with cysteine, which is neutral and slightly polar, at codon 981 of the TTC21B protein (p.Arg981Cys). This variant is present in population databases (rs749278599, gnomAD 0.01%). This variant has not been reported in the literature in individuals affected with TTC21B-related conditions. ClinVar contains an entry for this variant (Variation ID: 1305887). Algorithms developed to predict the effect of missense changes on protein structure and function (SIFT, PolyPhen-2, Align-GVGD) all suggest that this variant is likely to be disruptive. In summary, the available evidence is currently insufficient to determine the role of this variant in disease. Therefore, it has been classified as a Variant of Uncertain Significance.

GeneDx
Classification: Uncertain significance. Last evaluated: 2019-05-13. Review status: criteria provided, single submitter. Criteria: GeneDx Variant Classification Process June 2021. Collection method: clinical testing. Allele origin: germline. Affected: yes.
Comment: Not observed at a significant frequency in large population cohorts (Lek et al., 2016); In silico analysis, which includes protein predictors and evolutionary conservation, supports a deleterious effect; Has not been previously published as pathogenic or benign to our knowledge

NM_024753.5(TTC21B):c.2941C>T (p.Arg981Cys)

Gene: TTC21B (tetratricopeptide repeat domain 21B; minus strand). Cytogenetic location: 2q24.3.
Variant type: single nucleotide variant.
Coding change: c.2941C>T on transcript NM_024753.5 (MANE Select); coding-DNA position 2941, C replaced by T.
Protein change: p.Arg981Cys; replaces arginine 981 with cysteine.
Molecular consequence: missense variant.
Genome position (GRCh38, 1-based): chr2:165,898,695, G>A on the plus strand (C>T on the coding strand, the complement: TTC21B is on the minus strand). VCF-style: chr2-165898695-G-A. GRCh37 (hg19) VCF-style: chr2-166755205-G-A.
Other names: c.2941C>T (NM_024753.3); short protein forms R981C.
Identifiers: ClinVar variation 1305887 (VCV001305887.10), dbSNP rs749278599, ClinGen allele CA1941656.